The following is an entry in ClinVar:

NM_001018113.3(FANCB):c.1781G>C (p.Cys594Ser)

Gene: FANCB (FA complementation group B; minus strand). Cytogenetic location: Xp22.2.
Variant type: single nucleotide variant.
Coding change: c.1781G>C on transcript NM_001018113.3 (MANE Select); coding-DNA position 1781, G replaced by C.
Protein change: p.Cys594Ser; replaces cysteine 594 with serine.
Molecular consequence: missense variant.
Genome position (GRCh38, 1-based): chrX:14,845,002, C>G on the plus strand (G>C on the coding strand, the complement: FANCB is on the minus strand). VCF-style: chrX-14845002-C-G. GRCh37 (hg19) VCF-style: chrX-14863124-C-G.
Other names: c.1781G>C, p.Cys594Ser (NM_001324162.2, NM_001410764.1, NM_152633.4); short protein forms C594S.
Identifiers: ClinVar variation 3720049 (VCV003720049.2).

ClinVar aggregate classification (germline): Uncertain significance (1 of 4 stars; one submission).

Conditions:
Fanconi anemia (FA). Also called: Fanconi's anemia. Identifiers: Orphanet 84, MedGen C0015625, MeSH D005199, MONDO:0019391.

Submission:

Labcorp Genetics (formerly Invitae), Labcorp
Classification: Uncertain significance for Fanconi anemia. Last evaluated: 2024-11-19. Review status: criteria provided, single submitter. Criteria: Invitae Variant Classification Sherloc (09022015). Collection method: clinical testing. Allele origin: germline.
Comment: This sequence change replaces cysteine, which is neutral and slightly polar, with serine, which is neutral and polar, at codon 594 of the FANCB protein (p.Cys594Ser). This variant is not present in population databases (gnomAD no frequency). This variant has not been reported in the literature in individuals affected with FANCB-related conditions. Invitae Evidence Modeling of protein sequence and biophysical properties (such as structural, functional, and spatial information, amino acid conservation, physicochemical variation, residue mobility, and thermodynamic stability) indicates that this missense variant is not expected to disrupt FANCB protein function with a negative predictive value of 80%. In summary, the available evidence is currently insufficient to determine the role of this variant in disease. Therefore, it has been classified as a Variant of Uncertain Significance.